The following is an entry in ClinVar:

NM_024996.7(GFM1):c.929del (p.Leu309_Leu310insTer)

Gene: GFM1 (G elongation factor mitochondrial 1; plus strand). Cytogenetic location: 3q25.32.
Variant type: Deletion.
Coding change: c.929del on transcript NM_024996.7 (MANE Select); coding-DNA position 929, one base deleted (T; older notation c.929delT).
Protein change: p.Leu309_Leu310insTer.
Molecular consequence: nonsense. On other transcripts: non-coding transcript variant (4).
Genome position (GRCh38, 1-based): chr3:158,653,398, T deleted; the last of 4 consecutive T bases (chr3:158,653,395-158,653,398); deleting any one gives the same sequence. VCF-style (leftmost placement, unchanged base first): chr3-158653394-CT-C. GRCh37 (hg19) VCF-style: chr3-158371183-CT-C.
Other names: c.986del, p.Leu328_Leu329insTer (NM_001308164.2, NM_001374355.1); c.929del, p.Leu309_Leu310insTer (NM_001308166.2); c.812del, p.Leu270_Leu271insTer (NM_001374356.1); c.704del, p.Leu234_Leu235insTer (NM_001374357.1); c.470del, p.Leu156_Leu157insTer (NM_001374358.1); c.362del, p.Leu120_Leu121insTer (NM_001374359.1, NM_001374360.1); c.245del, p.Leu81_Leu82insTer (NM_001374361.1).
Identifiers: ClinVar variation 3678851 (VCV003678851.2).

ClinVar aggregate classification (germline): Pathogenic (1 of 4 stars; one submission).

Submission:

Labcorp Genetics (formerly Invitae), Labcorp
Classification: Pathogenic. Last evaluated: 2024-05-29. Review status: criteria provided, single submitter. Criteria: Invitae Variant Classification Sherloc (09022015). Collection method: clinical testing. Allele origin: germline.
Comment: This sequence change creates a premature translational stop signal (p.Leu310*) in the GFM1 gene. It is expected to result in an absent or disrupted protein product. Loss-of-function variants in GFM1 are known to be pathogenic (PMID: 16632485, 17160893). This variant is present in population databases (no rsID available, gnomAD 0.003%). This variant has not been reported in the literature in individuals affected with GFM1-related conditions. For these reasons, this variant has been classified as Pathogenic.

Literature cited by the submitters: PubMed 16632485; PubMed 17160893.